The following is an entry in ClinVar:

ClinVar aggregate classification (germline): Uncertain significance (1 of 4 stars; one submission).

Conditions:
Emery-Dreifuss muscular dystrophy 5, autosomal dominant (EDMD5). Also called: EMERY-DREIFUSS MUSCULAR DYSTROPHY 5. Identifiers: Orphanet 261, MedGen C2751805, MONDO:0013072, OMIM 612999.

Submission:

Labcorp Genetics (formerly Invitae), Labcorp
Classification: Uncertain significance for Emery-Dreifuss muscular dystrophy 5, autosomal dominant. Last evaluated: 2022-12-06. Review status: criteria provided, single submitter. Criteria: Invitae Variant Classification Sherloc (09022015). Collection method: clinical testing. Allele origin: germline.
Comment: This sequence change replaces glutamic acid, which is acidic and polar, with aspartic acid, which is acidic and polar, at codon 909 of the SYNE2 protein (p.Glu909Asp). Algorithms developed to predict the effect of missense changes on protein structure and function output the following: SIFT: "Tolerated"; PolyPhen-2: "Benign"; Align-GVGD: "Class C0". The aspartic acid amino acid residue is found in multiple mammalian species, which suggests that this missense change does not adversely affect protein function. ClinVar contains an entry for this variant (Variation ID: 970590). This variant has not been reported in the literature in individuals affected with SYNE2-related conditions. This variant is not present in population databases (gnomAD no frequency). In summary, the available evidence is currently insufficient to determine the role of this variant in disease. Therefore, it has been classified as a Variant of Uncertain Significance.

NM_182914.3(SYNE2):c.2727G>T (p.Glu909Asp)

Gene: SYNE2 (spectrin repeat containing nuclear envelope protein 2; plus strand). Cytogenetic location: 14q23.2.
Variant type: single nucleotide variant.
Coding change: c.2727G>T on transcript NM_182914.3 (MANE Select); coding-DNA position 2727, G replaced by T.
Protein change: p.Glu909Asp; replaces glutamic acid 909 with aspartic acid.
Molecular consequence: missense variant.
Genome position (GRCh38, 1-based): chr14:63,993,915, G>T. VCF-style: chr14-63993915-G-T. GRCh37 (hg19) VCF-style: chr14-64460633-G-T.
Other names: c.2727G>T, p.Glu909Asp (NM_015180.6); short protein forms E909D.
Identifiers: ClinVar variation 970590 (VCV000970590.9), dbSNP rs2096689999, ClinGen allele CA389980911.